The following is an entry in ClinVar:

NM_000186.4(CFH):c.743A>G (p.Asp248Gly)

Gene: CFH (complement factor H; plus strand). Cytogenetic location: 1q31.3.
Variant type: single nucleotide variant.
Coding change: c.743A>G on transcript NM_000186.4 (MANE Select); coding-DNA position 743, A replaced by G.
Protein change: p.Asp248Gly; replaces aspartic acid 248 with glycine.
Molecular consequence: missense variant.
Genome position (GRCh38, 1-based): chr1:196,679,746, A>G. VCF-style: chr1-196679746-A-G. GRCh37 (hg19) VCF-style: chr1-196648876-A-G.
Other names: c.743A>G, p.Asp248Gly (NM_001014975.3); short protein forms D248G.
Identifiers: ClinVar variation 2824956 (VCV002824956.3), dbSNP rs2529353226, ClinGen allele CA343978043.

ClinVar aggregate classification (germline): Uncertain significance (1 of 4 stars; one submission).

Submission:

Labcorp Genetics (formerly Invitae), Labcorp
Classification: Uncertain significance. Last evaluated: 2022-12-30. Review status: criteria provided, single submitter. Criteria: Invitae Variant Classification Sherloc (09022015). Collection method: clinical testing. Allele origin: germline.
Comment: In summary, the available evidence is currently insufficient to determine the role of this variant in disease. Therefore, it has been classified as a Variant of Uncertain Significance. Algorithms developed to predict the effect of missense changes on protein structure and function are either unavailable or do not agree on the potential impact of this missense change (SIFT: "Deleterious"; PolyPhen-2: "Possibly Damaging"; Align-GVGD: "Class C0"). This variant has not been reported in the literature in individuals affected with CFH-related conditions. This variant is not present in population databases (gnomAD no frequency). This sequence change replaces aspartic acid, which is acidic and polar, with glycine, which is neutral and non-polar, at codon 248 of the CFH protein (p.Asp248Gly).